The following is an entry in ClinVar:

NM_007294.4(BRCA1):c.3763_3764del (p.Asn1255fs)

Genes: BRCA1 (BRCA1 DNA repair associated; minus strand), LOC126862571 (BRD4-independent group 4 enhancer GRCh37_chr17:41243136-41244335; plus strand). Cytogenetic location: 17q21.31.
Variant type: Deletion.
Coding change: c.3763_3764del on transcript NM_007294.4 (MANE Select); coding-DNA positions 3763 to 3764, 2 bases deleted (AA; older notation c.3763_3764delAA).
Protein change: p.Asn1255fs; shifts the reading frame from asparagine 1255.
Molecular consequence: frameshift variant. On other transcripts: intron variant (135).
Genome position (GRCh38, 1-based): chr17:43,091,767-43,091,768, TT deleted on the plus strand (AA on the coding strand, the reverse complement: BRCA1 is on the minus strand). VCF-style (leftmost placement, unchanged base first): chr17-43091766-GTT-G. GRCh37 (hg19) VCF-style: chr17-41243783-GTT-G.
Other names: 3882delAA; c.3427_3428del, p.Asn1143fs (NM_001407956.1, NM_001407958.1, NM_001407954.1 and 1 more transcripts); c.3430_3431del, p.Asn1144fs (NM_001407957.1, NM_001407953.1, NM_001407946.1 and 6 more transcripts); c.3382_3383del, p.Asn1128fs (NM_001407959.1, NM_001407960.1, NM_001407963.1); c.3379_3380del, p.Asn1127fs (NM_001407962.1); c.3760_3761del, p.Asn1254fs (NM_001407610.1, NM_001407611.1, NM_001407612.1 and 22 more transcripts); c.3763_3764del, p.Asn1255fs (NM_001407616.1, NM_001407617.1, NM_001407618.1 and 30 more transcripts); c.3754_3755del, p.Asn1252fs (NM_001407647.1, NM_001407646.1); and 42 more; short protein forms N1255fs, N1208fs, N1143fs, N1087fs, N1167fs, N1228fs, N959fs, N1184fs.
Identifiers: ClinVar variation 54997 (VCV000054997.5), dbSNP rs397509103, ClinGen allele CA002419.
Genomic context (GRCh38, chr17:43,091,766, plus strand): 5'-TATTACCTGGTTACTGCAGTCATTTAAGCTATTCTTCAATGATAATAAATTCTCCTCTGT[GTT>G]CTTAGACAGACACTCGGTAGCAACGGTGCTATGCCTAGTAGACTGAGAAGGTATATTGTT-3'

ClinVar aggregate classification (germline): Pathogenic (3 of 4 stars; one submission).

Conditions:
Breast-ovarian cancer, familial, susceptibility to, 1 (BROVCA1). Also called: BRCA1 Hereditary Breast and Ovarian Cancer; OVARIAN CANCER, SUSCEPTIBILITY TO. Identifiers: Orphanet 145, MedGen C2676676, MONDO:0011450, OMIM 604370. Disease mechanism: loss of function.

Submission:

Evidence-based Network for the Interpretation of Germline Mutant Alleles (ENIGMA)
Classification: Pathogenic for Breast-ovarian cancer, familial, susceptibility to, 1. Last evaluated: 2016-10-18. Review status: reviewed by expert panel. Criteria: ENIGMA BRCA1/2 Classification Criteria (2015). Collection method: curation. Allele origin: germline.
Comment: Variant allele predicted to encode a truncated non-functional protein.